The following is an entry in ClinVar:

ClinVar aggregate classification (germline): Uncertain significance (1 of 4 stars; one submission).

Conditions:
Myopathy, centronuclear, 2 (CNM2). Also called: MYOTUBULAR MYOPATHY, AUTOSOMAL RECESSIVE. Identifiers: Orphanet 169186, MedGen CN031787, MONDO:0009709, OMIM 255200.

Allele frequency attached by ClinVar (database versions not stated): gnomAD exomes below 0.00001; ExAC 0.00001; gnomAD 0.00001.
gnomAD v4.1: 3 of 1,613,778 alleles (0.00019%); highest among the groups gnomAD compares: South Asian, 0.0022%; no homozygotes.

Submission:

Labcorp Genetics (formerly Invitae), Labcorp
Classification: Uncertain significance for Myopathy, centronuclear, 2. Last evaluated: 2022-07-12. Review status: criteria provided, single submitter. Criteria: Invitae Variant Classification Sherloc (09022015). Collection method: clinical testing. Allele origin: germline.
Comment: In summary, the available evidence is currently insufficient to determine the role of this variant in disease. Therefore, it has been classified as a Variant of Uncertain Significance. Algorithms developed to predict the effect of missense changes on protein structure and function are either unavailable or do not agree on the potential impact of this missense change (SIFT: "Tolerated"; PolyPhen-2: "Possibly Damaging"; Align-GVGD: "Class C0"). ClinVar contains an entry for this variant (Variation ID: 854196). This variant has not been reported in the literature in individuals affected with BIN1-related conditions. This variant is present in population databases (rs761203710, gnomAD 0.003%). This sequence change replaces serine, which is neutral and polar, with asparagine, which is neutral and polar, at codon 257 of the BIN1 protein (p.Ser257Asn).

NM_139343.3(BIN1):c.770G>A (p.Ser257Asn)

Gene: BIN1 (bridging integrator 1; minus strand). Cytogenetic location: 2q14.3.
Variant type: single nucleotide variant.
Coding change: c.770G>A on transcript NM_139343.3 (MANE Select); coding-DNA position 770, G replaced by A.
Protein change: p.Ser257Asn; replaces serine 257 with asparagine.
Molecular consequence: missense variant.
Genome position (GRCh38, 1-based): chr2:127,063,575, C>T on the plus strand (G>A on the coding strand, the complement: BIN1 is on the minus strand). VCF-style: chr2-127063575-C-T. GRCh37 (hg19) VCF-style: chr2-127821151-C-T.
Other names: c.677G>A, p.Ser226Asn (NM_001320632.2, NM_001320641.2, NM_004305.4 and 6 more transcripts); c.770G>A, p.Ser257Asn (NM_001320633.2, NM_001320640.2, NM_139344.3 and 1 more transcripts); c.605G>A, p.Ser202Asn (NM_001320634.1); c.689G>A, p.Ser230Asn (NM_001320642.1); short protein forms S202N, S226N, S230N, S257N.
Identifiers: ClinVar variation 854196 (VCV000854196.9), dbSNP rs761203710, ClinGen allele CA1857345.